The following is an entry in ClinVar:

NM_182961.4(SYNE1):c.6319A>G (p.Ser2107Gly)

Gene: SYNE1 (spectrin repeat containing nuclear envelope protein 1; minus strand). Cytogenetic location: 6q25.2.
Variant type: single nucleotide variant.
Coding change: c.6319A>G on transcript NM_182961.4 (MANE Select); coding-DNA position 6319, A replaced by G.
Protein change: p.Ser2107Gly; replaces serine 2107 with glycine.
Molecular consequence: missense variant.
Genome position (GRCh38, 1-based): chr6:152,409,621, T>C on the plus strand (A>G on the coding strand, the complement: SYNE1 is on the minus strand). VCF-style: chr6-152409621-T-C. GRCh37 (hg19) VCF-style: chr6-152730756-T-C.
Other names: c.6340A>G, p.Ser2114Gly (NM_033071.5); short protein forms S2107G, S2114G.
Identifiers: ClinVar variation 640746 (VCV000640746.9), dbSNP rs368938119, ClinGen allele CA4058112.

ClinVar aggregate classification (germline): Uncertain significance. Review status: criteria provided, multiple submitters, no conflicts (2 of 4 stars). 2 submissions from 2 submitters: Uncertain significance (2). Last evaluated 2025-03-27.

Conditions:
Autosomal recessive ataxia, Beauce type. Also called: Spinocerebellar ataxia, autosomal recessive 8; ATAXIA, RECESSIVE, OF BEAUCE; SYNE1 Deficiency; SYNE1-Related Autosomal Recessive Cerebellar Ataxia. Identifiers: Orphanet 88644, MedGen C1853116, MONDO:0012549, OMIM 610743.
Emery-Dreifuss muscular dystrophy 4, autosomal dominant (EDMD4). Also called: EMERY-DREIFUSS MUSCULAR DYSTROPHY 4 WITH VARIABLE FEATURES. Identifiers: Orphanet 261, MedGen C2751807, MONDO:0013071, OMIM 612998.

Allele frequency attached by ClinVar (database versions not stated): gnomAD 0.00001 and 0.00002; ExAC 0.00002; gnomAD exomes 0.00002; TOPMed 0.00002; ESP Exome Variant Server 0.00008.
gnomAD v4.1: 28 of 1,613,840 alleles (0.0017%); highest among the groups gnomAD compares: Non-Finnish European, 0.0023%; no homozygotes.

Submissions (2):

Labcorp Genetics (formerly Invitae), Labcorp
Classification: Uncertain significance for Emery-Dreifuss muscular dystrophy 4, autosomal dominant; Autosomal recessive ataxia, Beauce type. Last evaluated: 2025-03-27. Review status: criteria provided, single submitter. Criteria: Invitae Variant Classification Sherloc (09022015). Collection method: clinical testing. Allele origin: germline.
Comment: This sequence change replaces serine, which is neutral and polar, with glycine, which is neutral and non-polar, at codon 2114 of the SYNE1 protein (p.Ser2114Gly). This variant is present in population databases (rs368938119, gnomAD 0.004%). This variant has not been reported in the literature in individuals affected with SYNE1-related conditions. ClinVar contains an entry for this variant (Variation ID: 640746). An algorithm developed to predict the effect of missense changes on protein structure and function (PolyPhen-2) suggests that this variant is likely to be tolerated. In summary, the available evidence is currently insufficient to determine the role of this variant in disease. Therefore, it has been classified as a Variant of Uncertain Significance.

Athena Diagnostics
Classification: Uncertain significance. Last evaluated: 2018-08-24. Review status: criteria provided, single submitter. Criteria: Athena Diagnostics Criteria. Collection method: clinical testing. Allele origin: germline.